The following is an entry in ClinVar:

ClinVar aggregate classification (germline): Benign. Review status: criteria provided, multiple submitters, no conflicts (2 of 4 stars). 2 submissions from 2 submitters: Benign (2). Last evaluated 2018-06-14.

Allele frequency attached by ClinVar (database versions not stated): gnomAD 0.04674 and 0.05000; TOPMed 0.05296; 1000 Genomes Project 0.05571; 1000 Genomes Project 30x 0.05871.
gnomAD v4.1: 6,991 of 151,332 alleles (4.6%); highest among the groups gnomAD compares: African/African-American, 16%; 521 homozygotes.

Submissions (2):

GeneDx
Classification: Benign. Last evaluated: 2018-06-14. Review status: criteria provided, single submitter. Criteria: GeneDx Variant Classification (06012015). Collection method: clinical testing. Allele origin: germline. Affected: yes.
Comment: This variant is considered likely benign or benign based on one or more of the following criteria: it is a conservative change, it occurs at a poorly conserved position in the protein, it is predicted to be benign by multiple in silico algorithms, and/or has population frequency not consistent with disease.

Breakthrough Genomics
Classification: Benign. Review status: criteria provided, single submitter. Criteria: ACMG Guidelines, 2015. Collection method: not provided. Allele origin: germline. Inheritance: Autosomal recessive inheritance. Affected: yes.

NM_006059.4(LAMC3):c.1284-188A>G

Gene: LAMC3 (laminin subunit gamma 3; plus strand). Cytogenetic location: 9q34.12.
Variant type: single nucleotide variant.
Coding change: c.1284-188A>G on transcript NM_006059.4 (MANE Select); 188 bases into the intron before coding-DNA position 1284, A replaced by G.
Molecular consequence: intron variant.
Genome position (GRCh38, 1-based): chr9:131,041,449, A>G. VCF-style: chr9-131041449-A-G. GRCh37 (hg19) VCF-style: chr9-133916836-A-G.
Identifiers: ClinVar variation 683054 (VCV000683054.2), dbSNP rs112893255, ClinGen allele CA200691131.